The following is an entry in ClinVar:

ClinVar aggregate classification (germline): Uncertain significance (1 of 4 stars; one submission).

gnomAD v4.1: 1 of 1,613,314 alleles (0.000062%); highest among the groups gnomAD compares: African/African-American, 0.0013%; no homozygotes.

Submission:

Labcorp Genetics (formerly Invitae), Labcorp
Classification: Uncertain significance. Last evaluated: 2024-09-15. Review status: criteria provided, single submitter. Criteria: Invitae Variant Classification Sherloc (09022015). Collection method: clinical testing. Allele origin: germline.
Comment: This sequence change replaces serine, which is neutral and polar, with asparagine, which is neutral and polar, at codon 2997 of the HMCN1 protein (p.Ser2997Asn). This variant is present in population databases (rs541297210, gnomAD 0.007%). This variant has not been reported in the literature in individuals affected with HMCN1-related conditions. An algorithm developed to predict the effect of missense changes on protein structure and function outputs the following: PolyPhen-2: "Benign". The asparagine amino acid residue is found in multiple mammalian species, which suggests that this missense change does not adversely affect protein function. In summary, the available evidence is currently insufficient to determine the role of this variant in disease. Therefore, it has been classified as a Variant of Uncertain Significance.

NM_031935.3(HMCN1):c.8990G>A (p.Ser2997Asn)

Gene: HMCN1 (hemicentin 1; plus strand). Cytogenetic location: 1q31.1.
Variant type: single nucleotide variant.
Coding change: c.8990G>A on transcript NM_031935.3 (MANE Select); coding-DNA position 8990, G replaced by A.
Protein change: p.Ser2997Asn; replaces serine 2997 with asparagine.
Molecular consequence: missense variant.
Genome position (GRCh38, 1-based): chr1:186,086,351, G>A. VCF-style: chr1-186086351-G-A. GRCh37 (hg19) VCF-style: chr1-186055483-G-A.
Other names: short protein forms S2997N.
Identifiers: ClinVar variation 3673496 (VCV003673496.2).